The following is an entry in ClinVar:

NM_000143.4(FH):c.902C>T (p.Thr301Ile)

Gene: FH (fumarate hydratase; minus strand). Cytogenetic location: 1q43.
Variant type: single nucleotide variant.
Coding change: c.902C>T on transcript NM_000143.4 (MANE Select); coding-DNA position 902, C replaced by T.
Protein change: p.Thr301Ile; replaces threonine 301 with isoleucine.
Molecular consequence: missense variant.
Genome position (GRCh38, 1-based): chr1:241,506,005, G>A on the plus strand (C>T on the coding strand, the complement: FH is on the minus strand). VCF-style: chr1-241506005-G-A. GRCh37 (hg19) VCF-style: chr1-241669305-G-A.
Other names: short protein forms T301I.
Identifiers: ClinVar variation 3678654 (VCV003678654.4).

ClinVar aggregate classification (germline): Uncertain significance. Review status: criteria provided, multiple submitters, no conflicts (2 of 4 stars). 2 submissions from 2 submitters: Uncertain significance (2). Last evaluated 2026-02-04.

Conditions:
Hereditary cancer-predisposing syndrome. Also called: Hereditary Cancer Syndrome; Neoplastic Syndromes, Hereditary; Tumor predisposition; Hereditary neoplastic syndrome. Identifiers: Orphanet 140162, MedGen C0027672, MeSH D009386, MONDO:0015356.

Submissions (2):

Ambry Genetics
Classification: Uncertain significance for Hereditary cancer-predisposing syndrome. Last evaluated: 2026-02-04. Review status: criteria provided, single submitter. Criteria: Ambry Variant Classification Scheme 2023. Collection method: clinical testing. Allele origin: germline.
Comment: The p.T301I variant (also known as c.902C>T), located in coding exon 6 of the FH gene, results from a C to T substitution at nucleotide position 902. The threonine at codon 301 is replaced by isoleucine, an amino acid with similar properties. This amino acid position is conserved. In addition, this alteration is predicted to be deleterious by in silico analysis. Based on the available evidence, the clinical significance of this variant remains unclear.

Labcorp Genetics (formerly Invitae), Labcorp
Classification: Uncertain significance. Last evaluated: 2024-02-14. Review status: criteria provided, single submitter. Criteria: Invitae Variant Classification Sherloc (09022015). Collection method: clinical testing. Allele origin: germline.
Comment: This sequence change replaces threonine, which is neutral and polar, with isoleucine, which is neutral and non-polar, at codon 301 of the FH protein (p.Thr301Ile). This variant is not present in population databases (gnomAD no frequency). This variant has not been reported in the literature in individuals affected with FH-related conditions. An algorithm developed to predict the effect of missense changes on protein structure and function (PolyPhen-2) suggests that this variant is likely to be disruptive. In summary, the available evidence is currently insufficient to determine the role of this variant in disease. Therefore, it has been classified as a Variant of Uncertain Significance.